The following is an entry in ClinVar:

NC_000003.11:g.(?_9470623)_(9485121_?)del

Gene: SETD5 (SET domain containing 5; plus strand). Cytogenetic location: 3p25.3.
Variant type: Deletion.
Identifiers: ClinVar variation 1459443 (VCV001459443.4).

ClinVar aggregate classification (germline): Pathogenic (1 of 4 stars; one submission).

Submission:

Labcorp Genetics (formerly Invitae), Labcorp
Classification: Pathogenic. Last evaluated: 2021-02-12. Review status: criteria provided, single submitter. Criteria: Invitae Variant Classification Sherloc (09022015). Collection method: clinical testing. Allele origin: germline.
Comment: For these reasons, this variant has been classified as Pathogenic. This variant has not been reported in the literature in individuals with SETD5-related conditions. This variant is a gross deletion of the genomic region encompassing exon(s) 3-11 of the SETD5 gene, which includes the initiator codon. The 5' end of this event is unknown as it extends beyond the assayed region for this gene and therefore may encompass additional genes. The 3' boundary is likely confined to intron 11 of the SETD5 gene. It is expected to result in an absent or disrupted protein product. Loss-of-function variants in SETD5 are known to be pathogenic (PMID: 24680889).

Literature cited by the submitters: PubMed 24680889.